The following is an entry in ClinVar:

NM_000257.4(MYH7):c.4998C>A (p.Asp1666Glu)

Genes: MHRT (myosin heavy chain associated RNA transcript; plus strand), MYH7 (myosin heavy chain 7; minus strand), LOC126861897 (BRD4-independent group 4 enhancer GRCh37_chr14:23884455-23885654; plus strand). Cytogenetic location: 14q11.2.
Variant type: single nucleotide variant.
Coding change: c.4998C>A on transcript NM_000257.4 (MANE Select); coding-DNA position 4998, C replaced by A.
Protein change: p.Asp1666Glu; replaces aspartic acid 1666 with glutamic acid.
Molecular consequence: missense variant. On other transcripts: non-coding transcript variant (1).
Genome position (GRCh38, 1-based): chr14:23,415,788, G>T on the plus strand (C>A on the coding strand, the complement: MYH7 is on the minus strand). VCF-style: chr14-23415788-G-T. GRCh37 (hg19) VCF-style: chr14-23884997-G-T.
Other names: short protein forms D1666E.
Identifiers: ClinVar variation 964036 (VCV000964036.11), dbSNP rs1423850061, ClinGen allele CA389037169.

ClinVar aggregate classification (germline): Uncertain significance. Review status: criteria provided, multiple submitters, no conflicts (2 of 4 stars). 2 submissions from 2 submitters: Uncertain significance (2). Last evaluated 2026-01-25.

Conditions:
Hypertrophic cardiomyopathy. Also called: HYPERTROPHIC MYOCARDIOPATHY. Identifiers: Orphanet 217569, MedGen C0007194, MeSH D002312, MONDO:0005045, HP:0001639.
Cardiovascular phenotype. Identifiers: MedGen CN230736.

Allele frequency attached by ClinVar (database versions not stated): gnomAD exomes below 0.00001; TOPMed below 0.00001; gnomAD 0.00002.
gnomAD v4.1: 5 of 1,614,068 alleles (0.00031%); highest among the groups gnomAD compares: African/African-American, 0.0067%; no homozygotes.

Submissions (2):

Labcorp Genetics (formerly Invitae), Labcorp
Classification: Uncertain significance for Hypertrophic cardiomyopathy. Last evaluated: 2026-01-25. Review status: criteria provided, single submitter. Criteria: Invitae Variant Classification Sherloc (09022015). Collection method: clinical testing. Allele origin: germline.
Comment: This sequence change replaces aspartic acid, which is acidic and polar, with glutamic acid, which is acidic and polar, at codon 1666 of the MYH7 protein (p.Asp1666Glu). This variant is present in population databases (no rsID available, gnomAD 0.03%). This variant has not been reported in the literature in individuals affected with MYH7-related conditions. ClinVar contains an entry for this variant (Variation ID: 964036). Invitae Evidence Modeling of protein sequence and biophysical properties (such as structural, functional, and spatial information, amino acid conservation, physicochemical variation, residue mobility, and thermodynamic stability) has been performed for this missense variant. However, the output from this modeling did not meet the statistical confidence thresholds required to predict the impact of this variant on MYH7 protein function. In summary, the available evidence is currently insufficient to determine the role of this variant in disease. Therefore, it has been classified as a Variant of Uncertain Significance.

Ambry Genetics
Classification: Uncertain significance for Cardiovascular phenotype. Last evaluated: 2025-06-24. Review status: criteria provided, single submitter. Criteria: Ambry Variant Classification Scheme 2023. Collection method: clinical testing. Allele origin: germline.
Comment: The p.D1666E variant (also known as c.4998C>A), located in coding exon 33 of the MYH7 gene, results from a C to A substitution at nucleotide position 4998. The aspartic acid at codon 1666 is replaced by glutamic acid, an amino acid with highly similar properties. This variant has been reported in a hypertrophic cardiomyopathy (HCM) cohort (Homburger JR et al. Proc Natl Acad Sci U S A, 2016 Jun;113:6701-6). This amino acid position is highly conserved in available vertebrate species. In addition, this alteration is predicted to be tolerated by in silico analysis. Based on the available evidence, the clinical significance of this variant remains unclear.

Literature cited by the submitters: PubMed 27247418 (cited by Ambry Genetics).